The following is an entry in ClinVar:

ClinVar aggregate classification (germline): Uncertain significance. Review status: criteria provided, multiple submitters, no conflicts (2 of 4 stars). 7 submissions from 7 submitters: Uncertain significance (5). 2 of the submissions do not count toward it. Last evaluated 2025-08-15.

Conditions:
Autosomal recessive limb-girdle muscular dystrophy type 2A (LGMDR1). Also called: Limb-girdle muscular dystrophy, type 2A; Calpainopathy; LEYDEN-MOEBIUS MUSCULAR DYSTROPHY; MUSCULAR DYSTROPHY, PELVOFEMORAL; Muscular dystrophy, limb-girdle, type 2A, Amish. Identifiers: Orphanet 267, MedGen C1869123, MONDO:0009675, OMIM 253600. Disease mechanism: loss of function.

Allele frequency attached by ClinVar (database versions not stated): gnomAD exomes 0.00001 and 0.00004; ExAC 0.00002; ESP Exome Variant Server 0.00008; gnomAD 0.00008 and 0.00009; TOPMed 0.00011; 1000 Genomes Project 30x 0.00016; 1000 Genomes Project 0.00020.
gnomAD v4.1: 70 of 1,614,182 alleles (0.0043%); highest among the groups gnomAD compares: African/African-American, 0.035%; no homozygotes.

Submissions (7):

Myriad Genetics, Inc.
Classification: Uncertain significance for Autosomal recessive limb-girdle muscular dystrophy type 2A. Last evaluated: 2025-08-15. Review status: criteria provided, single submitter. Criteria: Myriad Autosomal Dominant, Autosomal Recessive and X-Linked Classification Criteria (2023). Collection method: clinical testing. Allele origin: unknown.
Comment: NM_000070.2(CAPN3):c.2329A>G(I777V) is a missense variant classified as a variant of uncertain significance in the context of calpainopathy. I777V has been observed in cases with relevant disease (PMID: 27671536, 39678382). Relevant functional assessments of this variant are not available in the literature. I777V has been observed in referenced population frequency databases. In summary, there is insufficient evidence to classify NM_000070.2(CAPN3):c.2329A>G(I777V) as pathogenic or benign. Please note: this variant was assessed in the context of healthy population screening.

Women's Health and Genetics/Laboratory Corporation of America, LabCorp
Classification: Uncertain significance. Last evaluated: 2024-11-11. Review status: criteria provided, single submitter. Criteria: LabCorp Variant Classification Summary - May 2015. Collection method: clinical testing. Allele origin: germline.
Comment: Variant summary: CAPN3 c.2329A>G (p.Ile777Val) results in a conservative amino acid change located in the Calcium-activated neutral domain (IPR029531) of the encoded protein sequence. Three of five in-silico tools predict a benign effect of the variant on protein function. The variant allele was found at a frequency of 1.2e-05 in 251414 control chromosomes. c.2329A>G has been reported in the literature in the homozygouse state in at least one individual affected with distal posterior limb muscle atrophy and weakness (Monies_2016). These data indicate that the variant may be associated with disease. To our knowledge, no experimental evidence demonstrating an impact on protein function has been reported. The following publication have been ascertained in the context of this evaluation (PMID: 27671536). ClinVar contains an entry for this variant (Variation ID: 191056). Based on the evidence outlined above, the variant was classified as VUS-possibly pathogenic.

Labcorp Genetics (formerly Invitae), Labcorp
Classification: Uncertain significance for Autosomal recessive limb-girdle muscular dystrophy type 2A. Last evaluated: 2024-10-17. Review status: criteria provided, single submitter. Criteria: Invitae Variant Classification Sherloc (09022015). Collection method: clinical testing. Allele origin: germline.
Comment: This sequence change replaces isoleucine, which is neutral and non-polar, with valine, which is neutral and non-polar, at codon 777 of the CAPN3 protein (p.Ile777Val). This variant is present in population databases (rs149969786, gnomAD 0.02%). This missense change has been observed in individual(s) with distal posterior limb muscle atrophy and weakness (PMID: 27671536). ClinVar contains an entry for this variant (Variation ID: 191056). Invitae Evidence Modeling of protein sequence and biophysical properties (such as structural, functional, and spatial information, amino acid conservation, physicochemical variation, residue mobility, and thermodynamic stability) indicates that this missense variant is not expected to disrupt CAPN3 protein function with a negative predictive value of 80%. In summary, the available evidence is currently insufficient to determine the role of this variant in disease. Therefore, it has been classified as a Variant of Uncertain Significance.

Eurofins Ntd Llc (ga)
Classification: Uncertain significance. Last evaluated: 2018-04-25. Review status: criteria provided, single submitter. Criteria: EGL ClinVar v180209 classification definitions. Collection method: clinical testing. Allele origin: germline. Observed: 1 variant allele, 1 heterozygote.

Genomic Medicine Center of Excellence, King Faisal Specialist Hospital and Research Centre
Classification: Uncertain significance for Autosomal recessive limb-girdle muscular dystrophy type 2A. Review status: criteria provided, single submitter. Criteria: ACMG Guidelines, 2015. Collection method: research. Allele origin: germline. Affected: yes.
Comment: Downgraded to VUS based on high updated frequency

Natera, Inc.
Classification: Uncertain significance for Limb-girdle muscular dystrophy type 2A. Last evaluated: 2020-09-16. Review status: no assertion criteria provided. Collection method: clinical testing. Allele origin: germline. Not counted in ClinVar's aggregate classification.

Counsyl
Classification: Uncertain significance for Autosomal recessive limb-girdle muscular dystrophy type 2A. Last evaluated: 2017-01-03. Review status: no assertion criteria provided. Collection method: clinical testing. Allele origin: unknown. Not counted in ClinVar's aggregate classification.

Literature cited by the submitters: PubMed 27671536 (cited by 4 submitters); PubMed 39678382 (cited by Myriad Genetics, Inc.).

NM_000070.3(CAPN3):c.2329A>G (p.Ile777Val)

Gene: CAPN3 (calpain 3; plus strand). Cytogenetic location: 15q15.1.
Variant type: single nucleotide variant.
Coding change: c.2329A>G on transcript NM_000070.3 (MANE Select); coding-DNA position 2329, A replaced by G.
Protein change: p.Ile777Val; replaces isoleucine 777 with valine.
Molecular consequence: missense variant.
Genome position (GRCh38, 1-based): chr15:42,410,949, A>G. VCF-style: chr15-42410949-A-G. GRCh37 (hg19) VCF-style: chr15-42703147-A-G.
Other names: c.2311A>G, p.Ile771Val (NM_024344.2); c.2053A>G, p.Ile685Val (NM_173087.2); c.793A>G, p.Ile265Val (NM_173088.2); c.334A>G, p.Ile112Val (NM_173089.2, NM_173090.2); short protein forms I777V, I265V, I771V, I112V, I685V.
Identifiers: ClinVar variation 191056 (VCV000191056.13), dbSNP rs149969786, ClinGen allele CA235924.
Genomic context (GRCh38, chr15:42,410,949, plus strand): 5'-CACCTCAACAACCAGCTCTATGACATCATTACCATGCGGTACGCAGACAAACACATGAAC[A>G]TCGACTTTGACAGTTTCATCTGCTGCTTCGTTAGGCTGGAGGGCATGTTCAGTAAGTGGG-3'
Protein context (NP_000061.1, residues 767-787): TMRYADKHMN[Ile777Val]DFDSFICCFV